The following is an entry in ClinVar:

ClinVar aggregate classification (germline): Uncertain significance. Review status: criteria provided, multiple submitters, no conflicts (2 of 4 stars). 2 submissions from 2 submitters: Uncertain significance (2). Last evaluated 2024-02-09.

Allele frequency attached by ClinVar (database versions not stated): gnomAD 0.00001; TOPMed 0.00001; gnomAD exomes 0.00002 and 0.00003; ExAC 0.00005; 1000 Genomes Project 30x 0.00016.
gnomAD v4.1: 28 of 1,613,366 alleles (0.0017%); highest among the groups gnomAD compares: Middle Eastern, 0.016%; no homozygotes.

Submissions (2):

GeneDx
Classification: Uncertain significance. Last evaluated: 2024-02-09. Review status: criteria provided, single submitter. Criteria: GeneDx Variant Classification Process June 2021. Collection method: clinical testing. Allele origin: germline. Affected: yes.
Comment: In silico analysis supports that this missense variant has a deleterious effect on protein structure/function; Has not been previously published as pathogenic or benign to our knowledge

Labcorp Genetics (formerly Invitae), Labcorp
Classification: Uncertain significance. Last evaluated: 2021-11-02. Review status: criteria provided, single submitter. Criteria: Invitae Variant Classification Sherloc (09022015). Collection method: clinical testing. Allele origin: germline.
Comment: This sequence change replaces glycine, which is neutral and non-polar, with serine, which is neutral and polar, at codon 2926 of the CDH23 protein (p.Gly2926Ser). This variant is present in population databases (rs751829972, gnomAD 0.01%). This variant has not been reported in the literature in individuals affected with CDH23-related conditions. Algorithms developed to predict the effect of missense changes on protein structure and function are either unavailable or do not agree on the potential impact of this missense change (SIFT: "Deleterious"; PolyPhen-2: "Not Available"; Align-GVGD: "Class C0"). In summary, the available evidence is currently insufficient to determine the role of this variant in disease. Therefore, it has been classified as a Variant of Uncertain Significance.

NM_022124.6(CDH23):c.8776G>A (p.Gly2926Ser)

Gene: CDH23 (cadherin related 23; plus strand). Cytogenetic location: 10q22.1.
Variant type: single nucleotide variant.
Coding change: c.8776G>A on transcript NM_022124.6 (MANE Select); coding-DNA position 8776, G replaced by A.
Protein change: p.Gly2926Ser; replaces glycine 2926 with serine.
Molecular consequence: missense variant.
Genome position (GRCh38, 1-based): chr10:71,809,873, G>A. VCF-style: chr10-71809873-G-A. GRCh37 (hg19) VCF-style: chr10-73569630-G-A.
Other names: c.2056G>A, p.Gly686Ser (NM_001171933.1, NM_001171934.1); c.8776G>A (NM_022124.5); short protein forms G686S, G2926S.
Identifiers: ClinVar variation 1424913 (VCV001424913.4), dbSNP rs751829972, ClinGen allele CA5546752.
Genomic context (GRCh38, chr10:71,809,873, plus strand): 5'-CCTGCAGGGAGCATGGACGGCATTCTGCGCACCTTCGACCTCTTCATGGCCTACAGCCCC[G>A]GCTACTTCGTGGTGGACATTGTGGCCCGAGACCTGGCAGGCCACAACGACACGGCCATCA-3'
Protein context (NP_071407.4, residues 2916-2936): TFDLFMAYSP[Gly2926Ser]YFVVDIVARD